The following is an entry in ClinVar:

ClinVar aggregate classification (germline): Uncertain significance. Review status: criteria provided, multiple submitters, no conflicts (2 of 4 stars). 3 submissions from 3 submitters: Uncertain significance (3). Last evaluated 2025-03-18.

Conditions:
Autosomal recessive limb-girdle muscular dystrophy type 2J (LGMDR10). Also called: MUSCULAR DYSTROPHY, LIMB-GIRDLE, AUTOSOMAL RECESSIVE 10; Limb-girdle muscular dystrophy, type 2J. Identifiers: Orphanet 140922, MedGen C1837342, MONDO:0012127, OMIM 608807.
Tibial muscular dystrophy (TMD). Also called: Udd Distal Myopathy – Tibial Muscular Dystrophy; UDD MYOPATHY; Tibial muscular dystrophy, tardive. Identifiers: Orphanet 609, MedGen C1838244, MONDO:0010870, OMIM 600334.
Dilated cardiomyopathy 1G (CMD1G). Identifiers: Orphanet 154, MedGen C1858763, MONDO:0011400, OMIM 604145.
Early-onset myopathy with fatal cardiomyopathy (CMYO5). Also called: CONGENITAL MYOPATHY 5 WITH CARDIOMYOPATHY; Salih Myopathy. Identifiers: Orphanet 289377, MedGen C2673677, MONDO:0012714, OMIM 611705. Disease mechanism: loss of function.
Myopathy, myofibrillar, 9, with early respiratory failure (MFM9). Also called: EDSTROM MYOPATHY; MYOPATHY, PROXIMAL, WITH EARLY RESPIRATORY MUSCLE INVOLVEMENT; Hereditary myopathy with early respiratory failure; Myopathy, distal, with early respiratory failure, autosomal dominant. Identifiers: Orphanet 178464, Orphanet 34521, MedGen C1863599, MONDO:0011362, OMIM 603689.
Hypertrophic cardiomyopathy 9. Also called: Familial hypertrophic cardiomyopathy 9. Identifiers: MedGen C1861065, MONDO:0013412, OMIM 613765.

Allele frequency attached by ClinVar (database versions not stated): gnomAD exomes below 0.00001.
gnomAD v4.1: 1 of 1,613,170 alleles (0.000062%); highest among the groups gnomAD compares: African/African-American, 0.0013%; no homozygotes.

Submissions (3):

GeneDx
Classification: Uncertain significance. Last evaluated: 2025-03-18. Review status: criteria provided, single submitter. Criteria: GeneDx Variant Classification Process June 2021. Collection method: clinical testing. Allele origin: germline. Affected: yes.
Comment: Not observed at significant frequency in large population cohorts (gnomAD); Missense variant in a gene in which most reported pathogenic variants are truncating/loss of function; Has not been previously published as pathogenic or benign to our knowledge

Laboratory for Molecular Medicine, Mass General Brigham Personalized Medicine
Classification: Uncertain significance. Last evaluated: 2023-02-06. Review status: criteria provided, single submitter. Criteria: ACMG Guidelines, 2015. Collection method: clinical testing. Allele origin: germline.
Comment: It was absent from large population studies. Computational prediction tools and conservation analyses do not provide strong support for or against an impact to the protein. In summary, the clinical significance of this variant is uncertain. ACMG/AMP Criteria applied: PM2_Supporting.

Fulgent Genetics
Classification: Uncertain significance for Tibial muscular dystrophy; Myopathy, myofibrillar, 9, with early respiratory failure; Dilated cardiomyopathy 1G; Autosomal recessive limb-girdle muscular dystrophy type 2J; Early-onset myopathy with fatal cardiomyopathy; Hypertrophic cardiomyopathy 9. Last evaluated: 2021-12-27. Review status: criteria provided, single submitter. Criteria: ACMG Guidelines, 2015. Collection method: clinical testing. Allele origin: unknown.

NM_001267550.2(TTN):c.68498C>T (p.Ser22833Leu)

Genes: TTN (titin; minus strand), TTN-AS1 (TTN antisense RNA 1; plus strand). Cytogenetic location: 2q31.2.
Variant type: single nucleotide variant.
Coding change: c.68498C>T on transcript NM_001267550.2 (MANE Select); coding-DNA position 68498, C replaced by T.
Protein change: p.Ser22833Leu; replaces serine 22833 with leucine.
Molecular consequence: missense variant.
Genome position (GRCh38, 1-based): chr2:178,578,017, G>A on the plus strand (C>T on the coding strand, the complement: TTN is on the minus strand). VCF-style: chr2-178578017-G-A. GRCh37 (hg19) VCF-style: chr2-179442744-G-A.
Other names: c.60794C>T, p.Ser20265Leu (NM_133378.4); c.68498C>T (NM_001267550.1); c.63575C>T, p.Ser21192Leu (NM_001256850.1); c.41303C>T, p.Ser13768Leu (NM_003319.4); c.41678C>T, p.Ser13893Leu (NM_133432.3); c.41879C>T, p.Ser13960Leu (NM_133437.4); short protein forms S20265L, S22833L, S13893L, S13768L, S13960L, S21192L.
Identifiers: ClinVar variation 229498 (VCV000229498.8), dbSNP rs876658077, ClinGen allele CA10576493.
Genomic context (GRCh38, chr2:178,578,017, plus strand): 5'-CACCTGGGTTTTTCTTCATATAATGACTTACCAATTGGGTCCAGTGCCACAACAGGCTCT[G>A]ATGGTAGGCTTGGCTTGCCCACACCTGCTAAATTGATTGCCATAACTCGGAATTCATATT-3'
Protein context (NP_001254479.2, residues 22823-22843): LAGVGKPSLP[Ser22833Leu]EPVVALDPID